The following is an entry in ClinVar:

ClinVar aggregate classification (germline): Benign/Likely benign. Review status: criteria provided, multiple submitters, no conflicts (2 of 4 stars). 10 submissions from 10 submitters: Benign (4); Likely benign (5). 1 of the submissions does not count toward it. Last evaluated 2026-01-10.

Conditions:
Hereditary nonpolyposis colorectal neoplasms. Identifiers: MedGen C0009405, MeSH D003123.
Hereditary cancer-predisposing syndrome. Also called: Neoplastic Syndromes, Hereditary; Hereditary Cancer Syndrome; Tumor predisposition; Hereditary neoplastic syndrome. Identifiers: Orphanet 140162, MedGen C0027672, MeSH D009386, MONDO:0015356.
Lynch syndrome 4 (LYNCH4). Also called: Colorectal cancer, hereditary nonpolyposis, type 4; Hereditary non-polyposis colorectal cancer, type 4. Identifiers: Orphanet 144, MedGen C1838333, MONDO:0013699, OMIM 614337. Disease mechanism: loss of function.

Allele frequency attached by ClinVar (database versions not stated): gnomAD 0.00001 and 0.00003; TOPMed 0.00003; ESP Exome Variant Server 0.00008; 1000 Genomes Project 30x 0.00016; 1000 Genomes Project 0.00020.
gnomAD v4.1: 92 of 1,602,058 alleles (0.0057%); highest among the groups gnomAD compares: South Asian, 0.077%; 5 homozygotes.

Submissions (10):

Labcorp Genetics (formerly Invitae), Labcorp
Classification: Likely benign for Hereditary nonpolyposis colorectal neoplasms. Last evaluated: 2026-01-10. Review status: criteria provided, single submitter. Criteria: Invitae Variant Classification Sherloc (09022015). Collection method: clinical testing. Allele origin: germline.

Women's Health and Genetics/Laboratory Corporation of America, LabCorp
Classification: Benign. Last evaluated: 2025-06-06. Review status: criteria provided, single submitter. Criteria: LabCorp Variant Classification Summary - May 2015. Collection method: clinical testing. Allele origin: germline.

CeGaT Center for Human Genetics Tuebingen
Classification: Likely benign. Last evaluated: 2025-06-01. Review status: criteria provided, single submitter. Criteria: CeGaT Center For Human Genetics Tuebingen Variant Classification Criteria Version 2. Collection method: clinical testing. Allele origin: germline. Affected: yes. Observed: 3 variant alleles.
Comment: PMS2: BP4, BP7

Myriad Genetics, Inc.
Classification: Benign for Lynch syndrome 4. Last evaluated: 2025-02-03. Review status: criteria provided, single submitter. Criteria: Myriad Autosomal Dominant, Autosomal Recessive and X-Linked Classification Criteria (2023). Collection method: clinical testing. Allele origin: unknown.
Comment: This variant is considered benign. This variant is a silent/synonymous amino acid change and it is not expected to impact splicing.

Blueprint Genetics
Classification: Likely benign. Last evaluated: 2024-10-25. Review status: criteria provided, single submitter. Criteria: ACMG Guidelines, 2015. Collection method: clinical testing. Allele origin: germline.

Quest Diagnostics Nichols Institute San Juan Capistrano
Classification: Benign. Last evaluated: 2023-07-03. Review status: criteria provided, single submitter. Criteria: Quest Diagnostics criteria. Collection method: clinical testing. Allele origin: unknown.

Color Diagnostics, LLC DBA Color Health
Classification: Benign for Hereditary cancer-predisposing syndrome. Last evaluated: 2022-03-10. Review status: criteria provided, single submitter. Criteria: ACMG Guidelines, 2015. Collection method: clinical testing. Allele origin: germline.

GeneDx
Classification: Likely benign. Last evaluated: 2020-09-09. Review status: criteria provided, single submitter. Criteria: GeneDx Variant Classification Process June 2021. Collection method: clinical testing. Allele origin: germline. Affected: yes.

Ambry Genetics
Classification: Likely benign for Hereditary cancer-predisposing syndrome. Last evaluated: 2015-02-06. Review status: criteria provided, single submitter. Criteria: Ambry Variant Classification Scheme 2023. Collection method: clinical testing. Allele origin: germline.

Department of Pathology and Laboratory Medicine, Sinai Health System
Classification: Likely benign. Review status: no assertion criteria provided. Collection method: clinical testing. Allele origin: unknown. Affected: yes. Observed: 1 variant allele. Study: The Canadian Open Genetics Repository (COGR). Not counted in ClinVar's aggregate classification.
Comment: The PMS2 p.Ile755= variant was not identified in the literature nor was it identified in the COGR, Cosmic, MutDB, Insight Colon Cancer Gene Variant Database, Zhejiang University Database, Mismatch Repair Genes Variant Database, or Insight Hereditary Tumors Database. The variant was identified in dbSNP (ID: rs145646046) as â€šÃ„ÃºWith Likely benign alleleâ€šÃ„Ã¹, ClinVar (as likely benign by Invitae and Ambry Genetics), and Clinvitae databases. The variant was identified in control databases in 24 of 244310 chromosomes (2 homozygous) at a frequency of 0.0001 (Genome Aggregation Database Feb 27, 2017). The variant was observed in the following populations: South Asian in 21 of 30634 chromosomes (freq: 0.0007) and European (Non-Finnish) in 3 of 110376 chromosomes (freq: 0.00003); it was not observed in the African, Other, Latino, Ashkenazi Jewish, East Asian, or Finnish populations. The p.Ile755= variant is not expected to have clinical significance because it does not result in a change of amino acid and is not located in a known consensus splice site. In addition, 1 of 5 in silico or computational prediction software programs (SpliceSiteFinder, MaxEntScan, NNSPLICE, GeneSplicer, HumanSpliceFinder) predicts a greater than 10% difference in splicing 5bp upstream of this variant, however, this information is not very predictive of pathogenicity. In summary, the clinical significance of this variant cannot be determined with certainty at this time, although the available information suggests a benign role for this variant. This variant is classified as likely benign.

NM_000535.7(PMS2):c.2265C>T (p.Ile755=)

Gene: PMS2 (PMS1 homolog 2, mismatch repair system component; minus strand). Cytogenetic location: 7p22.1.
Variant type: single nucleotide variant.
Coding change: c.2265C>T on transcript NM_000535.7 (MANE Select); coding-DNA position 2265, C replaced by T.
Protein change: p.Ile755=; no amino-acid change (isoleucine 755 retained).
Molecular consequence: synonymous variant. On other transcripts: non-coding transcript variant (1).
Genome position (GRCh38, 1-based): chr7:5,978,606, G>A on the plus strand (C>T on the coding strand, the complement: PMS2 is on the minus strand). VCF-style: chr7-5978606-G-A. GRCh37 (hg19) VCF-style: chr7-6018237-G-A.
Other names: c.1860C>T, p.Ile620= (NM_001322003.2, NM_001322004.2, NM_001322005.2 and 1 more transcripts); c.2109C>T, p.Ile703= (NM_001322006.2); c.1947C>T, p.Ile649= (NM_001322007.2, NM_001322008.2); c.1704C>T, p.Ile568= (NM_001322010.2); c.1332C>T, p.Ile444= (NM_001322011.2, NM_001322012.2); c.1692C>T, p.Ile564= (NM_001322013.2); c.2265C>T, p.Ile755= (NM_001322014.2); c.1956C>T, p.Ile652= (NM_001322015.2).
Identifiers: ClinVar variation 220273 (VCV000220273.64), dbSNP rs145646046, ClinGen allele CA047167.